The following is an entry in ClinVar:

NM_020066.5(FMN2):c.2840C>G (p.Pro947Arg)

Gene: FMN2 (formin 2; plus strand). Cytogenetic location: 1q43.
Variant type: single nucleotide variant.
Coding change: c.2840C>G on transcript NM_020066.5 (MANE Select); coding-DNA position 2840, C replaced by G.
Protein change: p.Pro947Arg; replaces proline 947 with arginine.
Molecular consequence: missense variant. On other transcripts: intron variant (1).
Genome position (GRCh38, 1-based): chr1:240,207,652, C>G. VCF-style: chr1-240207652-C-G. GRCh37 (hg19) VCF-style: chr1-240370952-C-G.
Other names: c.2852C>G, p.Pro951Arg (NM_001305424.2); c.1986+19390C>G (NM_001348094.2); short protein forms P947R, P951R.
Identifiers: ClinVar variation 3025502 (VCV003025502.22), dbSNP rs201741828, ClinGen allele CA1476800.

ClinVar aggregate classification (germline): Likely benign (1 of 4 stars; one submission).

Allele frequency attached by ClinVar (database versions not stated): ESP Exome Variant Server 0.00008.
gnomAD v4.1: 412 of 1,402,598 alleles (0.029%); highest among the groups gnomAD compares: Non-Finnish European, 0.039%; 27 homozygotes.

Submission:

CeGaT Center for Human Genetics Tuebingen
Classification: Likely benign. Last evaluated: 2025-10-01. Review status: criteria provided, single submitter. Criteria: CeGaT Center For Human Genetics Tuebingen Variant Classification Criteria Version 2. Collection method: clinical testing. Allele origin: germline. Affected: yes. Observed: 2 variant alleles.
Comment: FMN2: BS2